The following is an entry in ClinVar:

NM_006214.4(PHYH):c.913G>A (p.Val305Ile)

Gene: PHYH (phytanoyl-CoA 2-hydroxylase; minus strand). Cytogenetic location: 10p13.
Variant type: single nucleotide variant.
Coding change: c.913G>A on transcript NM_006214.4 (MANE Select); coding-DNA position 913, G replaced by A.
Protein change: p.Val305Ile; replaces valine 305 with isoleucine.
Molecular consequence: missense variant.
Genome position (GRCh38, 1-based): chr10:13,281,026, C>T on the plus strand (G>A on the coding strand, the complement: PHYH is on the minus strand). VCF-style: chr10-13281026-C-T. GRCh37 (hg19) VCF-style: chr10-13323026-C-T.
Other names: c.613G>A, p.Val205Ile (NM_001037537.2, NM_001323080.2); c.919G>A, p.Val307Ile (NM_001323082.2); c.649G>A, p.Val217Ile (NM_001323083.2); c.619G>A, p.Val207Ile (NM_001323084.2); short protein forms V305I, V205I, V217I, V307I, V207I.
Identifiers: ClinVar variation 1926957 (VCV001926957.2), dbSNP rs1234838223, ClinGen allele CA376051329.

ClinVar aggregate classification (germline): Uncertain significance (1 of 4 stars; one submission).

Allele frequency attached by ClinVar (database versions not stated): gnomAD exomes 0.00001.
gnomAD v4.1: 11 of 1,614,042 alleles (0.00068%); highest among the groups gnomAD compares: Non-Finnish European, 0.00093%; no homozygotes.

Submission:

Labcorp Genetics (formerly Invitae), Labcorp
Classification: Uncertain significance. Last evaluated: 2022-06-09. Review status: criteria provided, single submitter. Criteria: Invitae Variant Classification Sherloc (09022015). Collection method: clinical testing. Allele origin: germline.
Comment: This sequence change replaces valine, which is neutral and non-polar, with isoleucine, which is neutral and non-polar, at codon 305 of the PHYH protein (p.Val305Ile). This variant is not present in population databases (gnomAD no frequency). This variant has not been reported in the literature in individuals affected with PHYH-related conditions. Algorithms developed to predict the effect of missense changes on protein structure and function output the following: SIFT: "Tolerated"; PolyPhen-2: "Benign"; Align-GVGD: "Class C0". The isoleucine amino acid residue is found in multiple mammalian species, which suggests that this missense change does not adversely affect protein function. In summary, the available evidence is currently insufficient to determine the role of this variant in disease. Therefore, it has been classified as a Variant of Uncertain Significance.